The following is an entry in ClinVar:

ClinVar aggregate classification (germline): Uncertain significance. Review status: criteria provided, multiple submitters, no conflicts (2 of 4 stars). 2 submissions from 2 submitters: Uncertain significance (2). Last evaluated 2022-01-11.

Conditions:
Bloom syndrome (BLM). Also called: Bloom-Torre-Machacek syndrome. Identifiers: Orphanet 125, MedGen C0005859, MONDO:0008876, OMIM 210900.

Submissions (2):

Labcorp Genetics (formerly Invitae), Labcorp
Classification: Uncertain significance for Bloom syndrome. Last evaluated: 2022-01-11. Review status: criteria provided, single submitter. Criteria: Invitae Variant Classification Sherloc (09022015). Collection method: clinical testing. Allele origin: germline.
Comment: Algorithms developed to predict the effect of missense changes on protein structure and function output the following: SIFT: "Tolerated"; PolyPhen-2: "Benign"; Align-GVGD: "Class C0". The proline amino acid residue is found in multiple mammalian species, which suggests that this missense change does not adversely affect protein function. In summary, the available evidence is currently insufficient to determine the role of this variant in disease. Therefore, it has been classified as a Variant of Uncertain Significance. ClinVar contains an entry for this variant (Variation ID: 584886). This variant has not been reported in the literature in individuals affected with BLM-related conditions. This variant is not present in population databases (gnomAD no frequency). This sequence change replaces serine, which is neutral and polar, with proline, which is neutral and non-polar, at codon 630 of the BLM protein (p.Ser630Pro).

Mendelics
Classification: Uncertain significance for Bloom syndrome. Last evaluated: 2018-07-02. Review status: criteria provided, single submitter. Criteria: Mendelics Assertion Criteria 2017. Collection method: clinical testing. Allele origin: unknown.

NM_000057.4(BLM):c.1888T>C (p.Ser630Pro)

Gene: BLM (BLM RecQ like helicase; plus strand). Cytogenetic location: 15q26.1.
Variant type: single nucleotide variant.
Coding change: c.1888T>C on transcript NM_000057.4 (MANE Select); coding-DNA position 1888, T replaced by C.
Protein change: p.Ser630Pro; replaces serine 630 with proline.
Molecular consequence: missense variant.
Genome position (GRCh38, 1-based): chr15:90,762,971, T>C. VCF-style: chr15-90762971-T-C. GRCh37 (hg19) VCF-style: chr15-91306201-T-C.
Other names: c.1888T>C, p.Ser630Pro (NM_001287246.2, NM_001287247.2); c.763T>C, p.Ser255Pro (NM_001287248.2); short protein forms S630P, S255P.
Identifiers: ClinVar variation 584886 (VCV000584886.7), dbSNP rs1567042153, ClinGen allele CA393844073.